The following is an entry in ClinVar:

ClinVar aggregate classification (germline): Benign (1 of 4 stars; one submission).

Conditions:
Pseudohypoaldosteronism type 2B (PHA2B). Also called: Pseudohypoaldosteronism Type IIB. Identifiers: Orphanet 757, Orphanet 88939, MedGen C1840390, MONDO:0013777, OMIM 614491.

Allele frequency attached by ClinVar (database versions not stated): ExAC 0.00035; gnomAD exomes 0.00035; ESP Exome Variant Server 0.00039; gnomAD 0.00039; TOPMed 0.00039.
gnomAD v4.1: 942 of 1,604,030 alleles (0.059%); highest among the groups gnomAD compares: Non-Finnish European, 0.073%; 1 homozygote.

Submission:

Illumina Laboratory Services, Illumina
Classification: Benign for Pseudohypoaldosteronism type 2B. Last evaluated: 2018-01-12. Review status: criteria provided, single submitter. Criteria: ICSL Variant Classification Criteria 13 December 2019. Collection method: clinical testing. Allele origin: germline.
Comment: This variant was observed in the ICSL laboratory as part of a predisposition screen in an ostensibly healthy population. It had not been previously curated by ICSL or reported in the Human Gene Mutation Database (HGMD: prior to June 1st, 2018), and was therefore a candidate for classification through an automated scoring system. Utilizing variant allele frequency, disease prevalence and penetrance estimates, and inheritance mode, an automated score was calculated to assess if this variant is too frequent to cause the disease. Based on the score and internal cut-off values, a variant classified as benign is not then subjected to further curation. The score for this variant resulted in a classification of benign for this disease.

NM_032387.5(WNK4):c.-22C>T

Gene: WNK4 (WNK lysine deficient protein kinase 4; plus strand). Cytogenetic location: 17q21.2.
Variant type: single nucleotide variant.
Coding change: c.-22C>T on transcript NM_032387.5 (MANE Select); 22 bases upstream of the start codon, C replaced by T.
Molecular consequence: 5 prime UTR variant.
Genome position (GRCh38, 1-based): chr17:42,780,677, C>T. VCF-style: chr17-42780677-C-T. GRCh37 (hg19) VCF-style: chr17-40932695-C-T.
Other names: c.-941C>T (NM_001321299.2).
Identifiers: ClinVar variation 323308 (VCV000323308.5), dbSNP rs200318202, ClinGen allele CA8583577.